The following is an entry in ClinVar:

NM_139215.3(TAF15):c.123G>A (p.Thr41=)

Gene: TAF15 (TATA-box binding protein associated factor 15; plus strand). Cytogenetic location: 17q12.
Variant type: single nucleotide variant.
Coding change: c.123G>A on transcript NM_139215.3 (MANE Select); coding-DNA position 123, G replaced by A.
Protein change: p.Thr41=; no amino-acid change (threonine 41 retained).
Molecular consequence: synonymous variant.
Genome position (GRCh38, 1-based): chr17:35,820,187, G>A. VCF-style: chr17-35820187-G-A. GRCh37 (hg19) VCF-style: chr17-34147191-G-A.
Other names: c.123G>A, p.Thr41= (NM_003487.4).
Identifiers: ClinVar variation 3036893 (VCV003036893.2), dbSNP rs199888229, ClinGen allele CA290021091.
Genomic context (GRCh38, chr17:35,820,187, plus strand): 5'-GTAGGTGATGAAACTTGAGTATTTACCTAAATTTCAGAGCTATTCTGGCTATGGGCAAAC[G>A]ACTGATTCCTCTTATGGACAGAACTACAGCGGTTACTCCAGTTATGGACAAAGTCAGTCA-3'
Protein context (NP_631961.1, residues 31-51): ASQSYSGYGQ[Thr41=]TDSSYGQNYS

ClinVar aggregate classification (germline): Likely benign (0 of 4 stars; one submission).

Conditions:
TAF15-related disorder. Also called: TAF15-related condition.

Allele frequency attached by ClinVar (database versions not stated): ExAC 0.00009; gnomAD 0.00009; TOPMed 0.00011; gnomAD exomes 0.00012; 1000 Genomes Project 30x 0.00016; 1000 Genomes Project 0.00020; ESP Exome Variant Server 0.00023.
gnomAD v4.1: 184 of 1,614,072 alleles (0.011%); highest among the groups gnomAD compares: Admixed American, 0.018%; 1 homozygote.

Submission:

PreventionGenetics, part of Exact Sciences
Classification: Likely benign for TAF15-related condition. Last evaluated: 2021-07-26. Review status: no assertion criteria provided. Collection method: clinical testing. Allele origin: germline.
Comment: This variant is classified as likely benign based on ACMG/AMP sequence variant interpretation guidelines (Richards et al. 2015 PMID: 25741868, with internal and published modifications).